The following is an entry in ClinVar:

ClinVar aggregate classification (germline): Pathogenic/Likely pathogenic. Review status: criteria provided, multiple submitters, no conflicts (2 of 4 stars). 6 submissions from 6 submitters: Pathogenic (4); Likely pathogenic (1). 1 of the submissions does not count toward it. Last evaluated 2025-11-18.

Conditions:
SLC52A2-related disorder. Also called: SLC52A2-related condition.
Brown-Vialetto-van Laere syndrome 2. Also called: Riboflavin transporter deficiency type 2; SPINOCEREBELLAR ATAXIA WITH BLINDNESS AND DEAFNESS 2. Identifiers: Orphanet 572543, Orphanet 97229, MedGen C3553538, MONDO:0013867, OMIM 614707.
Brown-Vialetto-van Laere syndrome 1. Also called: BROWN-VIALETTO-VAN LAERE SYNDROME 1, MILD; PONTOBULBAR PALSY WITH DEAFNESS; BULBAR PALSY, PROGRESSIVE, WITH SENSORINEURAL DEAFNESS. Identifiers: Orphanet 572550, Orphanet 97229, MedGen C0796274, MONDO:0024537, OMIM 211530.

Allele frequency attached by ClinVar (database versions not stated): gnomAD exomes 0.00001 and 0.00007; gnomAD 0.00002 and 0.00003; ExAC 0.00003; TOPMed 0.00004; ESP Exome Variant Server 0.00008.

Submissions (6):

Labcorp Genetics (formerly Invitae), Labcorp
Classification: Pathogenic for Brown-Vialetto-van Laere syndrome 2. Last evaluated: 2025-11-18. Review status: criteria provided, single submitter. Criteria: Invitae Variant Classification Sherloc (09022015). Collection method: clinical testing. Allele origin: germline.
Comment: This sequence change creates a premature translational stop signal (p.Gln270*) in the SLC52A2 gene. It is expected to result in an absent or disrupted protein product. Loss-of-function variants in SLC52A2 are known to be pathogenic (PMID: 24253200). This variant is present in population databases (rs375088539, gnomAD 0.004%). This premature translational stop signal has been observed in individual(s) with Brown-Vialetto-Van Laere syndrome (BVVLS) (PMID: 27148561). In at least one individual the data is consistent with being in trans (on the opposite chromosome) from a pathogenic variant. ClinVar contains an entry for this variant (Variation ID: 188051). For these reasons, this variant has been classified as Pathogenic.

PreventionGenetics, part of Exact Sciences
Classification: Pathogenic for SLC52A2-related condition. Last evaluated: 2025-11-14. Review status: criteria provided, single submitter. Criteria: ACMG Guidelines, 2015. Collection method: clinical testing. Allele origin: germline.
Comment: The SLC52A2 c.808C>T variant is predicted to result in premature protein termination (p.Gln270*). This variant has been reported in two individuals with Brown-Vialetto-Van Laere syndrome 2/riboflavin transporter deficiency 2, and was confirmed to be compound heterozygous in one individual along with a second pathogenic variant (Petrovski et al. 2015. PubMed ID: 27148561; Bulas et al. 2023. PubMed ID: 35921603). This variant is reported in 0.0040% of alleles in individuals of African descent in gnomAD. Nonsense variants in SLC52A2 are expected to be pathogenic. This variant is interpreted as pathogenic.

Blueprint Genetics
Classification: Likely pathogenic for SLC52A2-related disorders. Last evaluated: 2024-08-22. Review status: criteria provided, single submitter. Criteria: ACMG Guidelines, 2015. Collection method: clinical testing. Allele origin: germline. Affected: yes. Observed: 3 variant alleles.

GeneDx
Classification: Pathogenic. Last evaluated: 2023-06-21. Review status: criteria provided, single submitter. Criteria: GeneDx Variant Classification Process June 2021. Collection method: clinical testing. Allele origin: germline. Affected: yes.
Comment: Not observed at a significant frequency in large population cohorts (gnomAD); Nonsense variant predicted to result in protein truncation or nonsense mediated decay in a gene for which loss of function is a known mechanism of disease; This variant is associated with the following publications: (PMID: 27148561, 34493867, 31836589, 30487145)

Victorian Clinical Genetics Services, Murdoch Childrens Research Institute
Classification: Pathogenic for Brown-Vialetto-van Laere syndrome 1. Last evaluated: 2022-09-02. Review status: criteria provided, single submitter. Criteria: ACMG Guidelines, 2015. Collection method: clinical testing. Allele origin: germline. Inheritance: Autosomal recessive inheritance. Affected: yes.
Comment: A heterozygous nonsense variant was identified, NM_001253816.1(SLC52A2):c.808C>T in exon 3 of 5 of the SLC52A2 gene. This nonsense variant is predicted to create a change of a glutamine to a stop at amino acid position 270 of the protein; NP_001240745.1(SLC52A2):p.(Gln270*), resulting in the loss of normal protein function through nonsense-mediated decay (NMD). The variant is present in the gnomAD population database at a global population frequency of 0.0014% (4 heterozygotes, 0 homozygotes) with an African sub-population frequency of 0.0040%. The variant has been previously reported in patients with Brown-Vialetto-Van Laere syndrome (ClinVar, LOVD, Petrovski, S. et al. (2015)). Other variants predicted to cause NMD have also been reported as pathogenic in individuals with this Brown-Vialetto-Van Laere syndrome (ClinVar, Foley, A. R. et al. (2014)). Based on information available at the time of curation, this variant has been classified as PATHOGENIC.

Duke University Health System Sequencing Clinic, Duke University Health System
Classification: Pathogenic for Brown-vialetto-van laere syndrome 2. Last evaluated: 2015-03-25. Review status: no assertion criteria provided. Collection method: research. Allele origin: germline. Affected: yes. Not counted in ClinVar's aggregate classification.

Literature cited by the submitters: PubMed 24253200 (cited by Labcorp Genetics (formerly Invitae), Labcorp); PubMed 27148561 (cited by Labcorp Genetics (formerly Invitae), Labcorp).

NM_001363118.2(SLC52A2):c.808C>T (p.Gln270Ter)

Gene: SLC52A2 (solute carrier family 52 member 2; plus strand). Cytogenetic location: 8q24.3.
Variant type: single nucleotide variant.
Coding change: c.808C>T on transcript NM_001363118.2 (MANE Select); coding-DNA position 808, C replaced by T.
Protein change: p.Gln270Ter; replaces glutamine 270 with a stop codon.
Molecular consequence: nonsense. On other transcripts: non-coding transcript variant (1).
Genome position (GRCh38, 1-based): chr8:144,360,300, C>T. VCF-style: chr8-144360300-C-T. GRCh37 (hg19) VCF-style: chr8-145583960-C-T.
Other names: c.808C>T, p.Gln270Ter (NM_001253815.2, NM_001253816.2, NM_001363120.2 and 2 more transcripts); c.316C>T, p.Gln106Ter (NM_001363122.2); short protein forms Q270*, Q106*.
Identifiers: ClinVar variation 188051 (VCV000188051.20), dbSNP rs375088539, ClinGen allele CA198667.